The following is an entry in ClinVar:

ClinVar aggregate classification (germline): Likely benign (1 of 4 stars; one submission).

Submission:

GeneDx
Classification: Likely benign. Last evaluated: 2015-11-10. Review status: criteria provided, single submitter. Criteria: GeneDx Variant Classification (06012015). Collection method: clinical testing. Allele origin: germline. Affected: yes.
Comment: This variant is considered likely benign or benign based on one or more of the following criteria: it is a conservative change, it occurs at a poorly conserved position in the protein, it is predicted to be benign by multiple in silico algorithms, and/or has population frequency not consistent with disease.

NM_001099857.5(IKBKG):c.606G>A (p.Leu202=)

Gene: IKBKG (inhibitor of nuclear factor kappa B kinase regulatory subunit gamma; plus strand). Cytogenetic location: Xq28.
Variant type: single nucleotide variant.
Coding change: c.606G>A on transcript NM_001099857.5 (MANE Select); coding-DNA position 606, G replaced by A.
Protein change: p.Leu202=; no amino-acid change (leucine 202 retained).
Molecular consequence: synonymous variant. On other transcripts: intron variant (3).
Genome position (GRCh38, 1-based): chrX:154,560,494, G>A. VCF-style: chrX-154560494-G-A. GRCh37 (hg19) VCF-style: chrX-153788709-G-A.
Other names: c.810G>A, p.Leu270= (NM_001099856.6); c.606G>A, p.Leu202= (NM_001321396.3, NM_001377312.1, NM_003639.4); c.603G>A, p.Leu201= (NM_001321397.3, NM_001377313.1); c.519-1194G>A (NM_001145255.4); c.516-1194G>A (NM_001377314.1); c.400-2316G>A (NM_001377315.1).
Identifiers: ClinVar variation 381645 (VCV000381645.1), dbSNP rs1057521123, ClinGen allele CA16609158.